The following is an entry in ClinVar:

ClinVar aggregate classification (germline): Uncertain significance. Review status: criteria provided, multiple submitters, no conflicts (2 of 4 stars). 3 submissions from 3 submitters: Uncertain significance (3). Last evaluated 2025-06-06.

Conditions:
Hajdu-Cheney syndrome (HJCYS). Also called: SERPENTINE FIBULA-POLYCYSTIC KIDNEY SYNDROME; ACROOSTEOLYSIS WITH OSTEOPOROSIS AND CHANGES IN SKULL AND MANDIBLE; Acroosteolysis dominant type. Identifiers: Orphanet 955, MedGen C0917715, MONDO:0007057, OMIM 102500.
NOTCH2-related disorder. Also called: NOTCH2-related condition.
Alagille syndrome due to a NOTCH2 point mutation. Also called: Alagille syndrome 2. Identifiers: Orphanet 261629, Orphanet 52, MedGen C1857761, MONDO:0012439, OMIM 610205.

Allele frequency attached by ClinVar (database versions not stated): ExAC 0.00003; gnomAD exomes 0.00003 and 0.00004; TOPMed 0.00003.
gnomAD v4.1: 56 of 1,614,072 alleles (0.0035%); highest among the groups gnomAD compares: Middle Eastern, 0.033%; no homozygotes.

Submissions (3):

Labcorp Genetics (formerly Invitae), Labcorp
Classification: Uncertain significance for Hajdu-Cheney syndrome. Last evaluated: 2025-06-06. Review status: criteria provided, single submitter. Criteria: Invitae Variant Classification Sherloc (09022015). Collection method: clinical testing. Allele origin: germline.
Comment: This sequence change replaces serine, which is neutral and polar, with glycine, which is neutral and non-polar, at codon 2115 of the NOTCH2 protein (p.Ser2115Gly). This variant is present in population databases (rs34891988, gnomAD 0.006%). This variant has not been reported in the literature in individuals affected with NOTCH2-related conditions. ClinVar contains an entry for this variant (Variation ID: 1395647). Invitae Evidence Modeling of protein sequence and biophysical properties (such as structural, functional, and spatial information, amino acid conservation, physicochemical variation, residue mobility, and thermodynamic stability) indicates that this missense variant is not expected to disrupt NOTCH2 protein function with a negative predictive value of 95%. In summary, the available evidence is currently insufficient to determine the role of this variant in disease. Therefore, it has been classified as a Variant of Uncertain Significance.

PreventionGenetics, part of Exact Sciences
Classification: Uncertain significance for NOTCH2-related condition. Last evaluated: 2025-04-07. Review status: criteria provided, single submitter. Criteria: ACMG Guidelines, 2015. Collection method: clinical testing. Allele origin: germline.
Comment: The NOTCH2 c.6343A>G variant is predicted to result in the amino acid substitution p.Ser2115Gly. This variant, along with a number of additional variants, has been reported with uncertain significance in an individual with a neurodevelopmental syndrome attributed to a de novo KCNK4 variant (Table S2, Bauer et al. 2018. PubMed ID: 30290154). This variant is reported in 0.0062% of alleles in individuals of European (Non-Finnish) descent in gnomAD. At this time, the clinical significance of this variant is uncertain due to the absence of conclusive functional and genetic evidence.

Fulgent Genetics
Classification: Uncertain significance for Hajdu-Cheney syndrome; Alagille syndrome due to a NOTCH2 point mutation. Last evaluated: 2024-03-21. Review status: criteria provided, single submitter. Criteria: ACMG Guidelines, 2015. Collection method: clinical testing. Allele origin: germline.

NM_024408.4(NOTCH2):c.6343A>G (p.Ser2115Gly)

Gene: NOTCH2 (notch receptor 2; minus strand). Cytogenetic location: 1p12.
Variant type: single nucleotide variant.
Coding change: c.6343A>G on transcript NM_024408.4 (MANE Select); coding-DNA position 6343, A replaced by G.
Protein change: p.Ser2115Gly; replaces serine 2115 with glycine.
Molecular consequence: missense variant.
Genome position (GRCh38, 1-based): chr1:119,916,379, T>C on the plus strand (A>G on the coding strand, the complement: NOTCH2 is on the minus strand). VCF-style: chr1-119916379-T-C. GRCh37 (hg19) VCF-style: chr1-120459002-T-C.
Other names: c.6343A>G (NM_024408.3); short protein forms S2115G.
Identifiers: ClinVar variation 1395647 (VCV001395647.10), dbSNP rs34891988, ClinGen allele CA1039441.